The following is an entry in ClinVar:

ClinVar aggregate classification (germline): Uncertain significance (1 of 4 stars; one submission).

gnomAD v4.1: 1 of 1,614,182 alleles (0.000062%); highest among the groups gnomAD compares: Admixed American, 0.0017%; no homozygotes.

Submission:

GeneDx
Classification: Uncertain significance. Last evaluated: 2024-05-19. Review status: criteria provided, single submitter. Criteria: GeneDx Variant Classification Process June 2021. Collection method: clinical testing. Allele origin: germline. Affected: yes.
Comment: In silico analysis supports that this missense variant has a deleterious effect on protein structure/function; Has not been previously published as pathogenic or benign to our knowledge

NM_021728.4(OTX2):c.574G>T (p.Gly192Cys)

Gene: OTX2 (orthodenticle homeobox 2; minus strand). Cytogenetic location: 14q22.3.
Variant type: single nucleotide variant.
Coding change: c.574G>T on transcript NM_021728.4 (MANE Select); coding-DNA position 574, G replaced by T.
Protein change: p.Gly192Cys; replaces glycine 192 with cysteine.
Molecular consequence: missense variant. On other transcripts: non-coding transcript variant (2).
Genome position (GRCh38, 1-based): chr14:56,802,055, C>A on the plus strand (G>T on the coding strand, the complement: OTX2 is on the minus strand). VCF-style: chr14-56802055-C-A. GRCh37 (hg19) VCF-style: chr14-57268773-C-A.
Other names: c.550G>T, p.Gly184Cys (NM_001270523.2, NM_001270524.2, NM_172337.3); c.574G>T, p.Gly192Cys (NM_001270525.2); short protein forms G184C, G192C.
Identifiers: ClinVar variation 3381410 (VCV003381410.1).